The following is an entry in ClinVar:

ClinVar aggregate classification (germline): Conflicting classifications of pathogenicity. Review status: criteria provided, conflicting classifications (1 of 4 stars). 4 submissions from 4 submitters: Pathogenic (1); Likely pathogenic (2); Uncertain significance (1). Last evaluated 2025-10-14.

Conditions:
Breast-ovarian cancer, familial, susceptibility to, 4. Identifiers: Orphanet 145, MedGen C3280345, MONDO:0013669, OMIM 614291.
Hereditary cancer-predisposing syndrome. Also called: Hereditary Cancer Syndrome; Neoplastic Syndromes, Hereditary; Tumor predisposition; Hereditary neoplastic syndrome. Identifiers: Orphanet 140162, MedGen C0027672, MeSH D009386, MONDO:0015356.

Allele frequency attached by ClinVar (database versions not stated): gnomAD exomes below 0.00001; ExAC 0.00001; ESP Exome Variant Server 0.00008.

Submissions (4):

Ambry Genetics
Classification: Pathogenic for Hereditary cancer-predisposing syndrome. Last evaluated: 2025-10-14. Review status: criteria provided, single submitter. Criteria: Ambry Variant Classification Scheme 2023. Collection method: clinical testing. Allele origin: germline.
Comment: The c.2dupT pathogenic mutation (also known as p.M1?) is located in coding exon 1 of the RAD51D gene and results from a duplication of T at nucleotide position 2. This alters the methionine residue at the initiation codon (ATG). Although this alteration is expected to disrupt the translation initiation site, the RAD51D gene contains a second in frame methionine at amino acid position 16. This has the potential to function as an alternate translation initiation site, resulting in the removal of the first 15 amino acids from the protein. Based on structural analysis, the first 15 amino acids are predicted to play an important role in protein function (Kim YM et al. Int. J. Biochem. Cell Biol., 2011 Mar;43:416-22). While this exact alteration has not been reported in the literature, similar alterations impacting the initiation codon (c.1A>T and c.1A>G) have been detected in individuals with breast or ovarian cancer (Guti&eacute;rrez-Enr&iacute;quez S et al. Int. J. Cancer, 2014 May;134:2088-97; Susswein LR et al. Genet. Med., 2016 Aug;18:823-32). This variant is considered to be rare based on population cohorts in the Genome Aggregation Database (gnomAD). In addition to the clinical data presented in the literature, sequence variations that modify the initiation codon are expected to result in either loss of translation initiation, N-terminal truncation, or cause a shift in the mRNA reading frame. Based on the supporting evidence, this variant is interpreted as a disease-causing mutation.

Labcorp Genetics (formerly Invitae), Labcorp
Classification: Uncertain significance for Breast-ovarian cancer, familial, susceptibility to, 4. Last evaluated: 2024-09-10. Review status: criteria provided, single submitter. Criteria: Invitae Variant Classification Sherloc (09022015). Collection method: clinical testing. Allele origin: germline.
Comment: This sequence change affects the initiator methionine of the RAD51D mRNA. The next in-frame methionine is located at codon 16. This variant is present in population databases (rs772306012, gnomAD 0.0009%). Disruption of the initiator codon has been observed in individual(s) with breast and/or ovarian cancer (PMID: 24130102, 26681312). ClinVar contains an entry for this variant (Variation ID: 480547). Experimental studies and prediction algorithms are not available or were not evaluated, and the functional significance of this variant is currently unknown. In summary, the available evidence is currently insufficient to determine the role of this variant in disease. Therefore, it has been classified as a Variant of Uncertain Significance.

Human Genetics Bochum, Ruhr University Bochum
Classification: Likely pathogenic for Breast-ovarian cancer, familial, susceptibility to, 4. Last evaluated: 2023-11-13. Review status: criteria provided, single submitter. Criteria: ACMG Guidelines, 2015. Collection method: clinical testing. Allele origin: germline. Affected: yes.
Comment: ACMG criteria used to clasify this variant: PS1_MOD, PM1, PS4_SUP, PM2_SUP, PP3

Color Diagnostics, LLC DBA Color Health
Classification: Likely pathogenic for Hereditary cancer-predisposing syndrome. Last evaluated: 2023-03-07. Review status: criteria provided, single submitter. Criteria: ACMG Guidelines, 2015. Collection method: clinical testing. Allele origin: germline.
Comment: This variant results in the loss of translation initiator codon of the RAD51D gene. Although functional studies have not been reported, this variant is expected to result in an absent or non-functional protein product. It has been shown that the highly conserved RAD51D N-terminus (a.a. 1-83) encodes the single-stranded DNA binding domain and that the 13-residue N-terminal tail (a.a. 1-13) contributes to proper protein folding via hydrophobic interactions between side chains of the N-terminal tail and alpha helices of the single-stranded DNA binding domain (PMID: 21111057). These findings suggest that the production of a full-length protein from p.Met1 is important for RAD51 function. While an in-frame methionine occurs at codon 16, it is not known if it can serve as an alternative translation initiation site to produce a functional RAD51D protein. This variant has not been reported in individuals affected with hereditary cancer in the literature. However, different variants that also disrupt p.Met1 (c.1A>G and c.1A>T) have been reported in individuals affected with ovarian cancer (ClinVar variation ID: 127884 and 419798). This variant has been identified in 1/246458 chromosomes in the general population by the Genome Aggregation Database (gnomAD). Based on the available evidence, this variant is classified as Likely Pathogenic.

Literature cited by the submitters: PubMed 21111057 (cited by Ambry Genetics and Color Diagnostics, LLC DBA Color Health); PubMed 24130102 (cited by Ambry Genetics and Labcorp Genetics (formerly Invitae), Labcorp); PubMed 26681312 (cited by Ambry Genetics and Labcorp Genetics (formerly Invitae), Labcorp).

NM_002878.4(RAD51D):c.2dup (p.Met1fs)

Genes: RAD51D (RAD51 paralog D; minus strand), RAD51L3-RFFL (RAD51L3-RFFL readthrough; minus strand). Cytogenetic location: 17q12.
Variant type: Duplication.
Coding change: c.2dup on transcript NM_002878.4 (MANE Select); coding-DNA position 2, one base duplicated (T; older notation c.2dupT).
Protein change: p.Met1fs; shifts the reading frame from methionine 1.
Molecular consequence: frameshift variant, initiator codon variant. On other transcripts: non-coding transcript variant (2).
Genome position (GRCh38, 1-based): chr17:35,119,612, A duplicated on the plus strand (T on the coding strand, the reverse complement: RAD51D is on the minus strand). VCF-style (leftmost placement, unchanged base first): chr17-35119611-C-CA. GRCh37 (hg19) VCF-style: chr17-33446630-C-CA.
Other names: c.2dup, p.Met1fs (NM_001142571.2, NM_133629.3); c.2dupT (NM_002878.3); short protein forms M1fs.
Identifiers: ClinVar variation 480547 (VCV000480547.21), dbSNP rs772306012, ClinGen allele CA8499712.